The following is an entry in ClinVar:

ClinVar aggregate classification (germline): Uncertain significance. Review status: criteria provided, multiple submitters, no conflicts (2 of 4 stars). 2 submissions from 2 submitters: Uncertain significance (2). Last evaluated 2024-12-04.

Conditions:
Inborn genetic diseases. Identifiers: MedGen C0950123, MeSH D030342.

Allele frequency attached by ClinVar (database versions not stated): gnomAD 0.00001; gnomAD exomes 0.00001; TOPMed 0.00002.
gnomAD v4.1: 11 of 1,606,620 alleles (0.00068%); highest among the groups gnomAD compares: East Asian, 0.0045%; no homozygotes.

Submissions (2):

Labcorp Genetics (formerly Invitae), Labcorp
Classification: Uncertain significance. Last evaluated: 2024-12-04. Review status: criteria provided, single submitter. Criteria: Invitae Variant Classification Sherloc (09022015). Collection method: clinical testing. Allele origin: germline.
Comment: This sequence change replaces glutamic acid, which is acidic and polar, with alanine, which is neutral and non-polar, at codon 628 of the CSF1R protein (p.Glu628Ala). This variant is present in population databases (no rsID available, gnomAD 0.006%). This variant has not been reported in the literature in individuals affected with CSF1R-related conditions. ClinVar contains an entry for this variant (Variation ID: 1991381). Invitae Evidence Modeling of protein sequence and biophysical properties (such as structural, functional, and spatial information, amino acid conservation, physicochemical variation, residue mobility, and thermodynamic stability) indicates that this missense variant is not expected to disrupt CSF1R protein function with a negative predictive value of 95%. In summary, the available evidence is currently insufficient to determine the role of this variant in disease. Therefore, it has been classified as a Variant of Uncertain Significance.

Ambry Genetics
Classification: Uncertain significance for Inborn genetic diseases. Last evaluated: 2024-07-02. Review status: criteria provided, single submitter. Criteria: Ambry Variant Classification Scheme 2023. Collection method: clinical testing. Allele origin: germline.

NM_001288705.3(CSF1R):c.1883A>C (p.Glu628Ala)

Gene: CSF1R (colony stimulating factor 1 receptor; minus strand). Cytogenetic location: 5q32.
Variant type: single nucleotide variant.
Coding change: c.1883A>C on transcript NM_001288705.3 (MANE Select); coding-DNA position 1883, A replaced by C.
Protein change: p.Glu628Ala; replaces glutamic acid 628 with alanine.
Molecular consequence: missense variant. On other transcripts: non-coding transcript variant (2).
Genome position (GRCh38, 1-based): chr5:150,060,948, T>G on the plus strand (A>C on the coding strand, the complement: CSF1R is on the minus strand). VCF-style: chr5-150060948-T-G. GRCh37 (hg19) VCF-style: chr5-149440511-T-G.
Other names: c.1883A>C, p.Glu628Ala (NM_001349736.2, NM_001375320.1, NM_005211.4); c.1439A>C, p.Glu480Ala (NM_001375321.1); c.1883A>C (NM_005211.3); short protein forms E628A, E480A.
Identifiers: ClinVar variation 1991381 (VCV001991381.5), dbSNP rs910551974, ClinGen allele CA129061709.